The following is an entry in ClinVar:

NM_003482.4(KMT2D):c.11142G>C (p.Arg3714Ser)

Gene: KMT2D (lysine methyltransferase 2D; minus strand). Cytogenetic location: 12q13.12.
Variant type: single nucleotide variant.
Coding change: c.11142G>C on transcript NM_003482.4 (MANE Select); coding-DNA position 11142, G replaced by C.
Protein change: p.Arg3714Ser; replaces arginine 3714 with serine.
Molecular consequence: missense variant.
Genome position (GRCh38, 1-based): chr12:49,033,563, C>G on the plus strand (G>C on the coding strand, the complement: KMT2D is on the minus strand). VCF-style: chr12-49033563-C-G. GRCh37 (hg19) VCF-style: chr12-49427346-C-G.
Other names: short protein forms R3714S.
Identifiers: ClinVar variation 2433246 (VCV002433246.6), dbSNP rs1943062296, ClinGen allele CA384723306.

ClinVar aggregate classification (germline): Conflicting classifications of pathogenicity. Review status: criteria provided, conflicting classifications (1 of 4 stars). 3 submissions from 3 submitters: Uncertain significance (2); Likely benign (1). Last evaluated 2026-03-14.

Conditions:
Kabuki syndrome. Also called: NIIKAWA-KUROKI SYNDROME; Kabuki make-up syndrome. Identifiers: Orphanet 2322, MedGen C0796004, MONDO:0016512.
Kabuki syndrome 1 (KABUK1). Also called: KMT2D-Related Kabuki Syndrome. Identifiers: Orphanet 2322, MedGen CN030661, MONDO:0007843, OMIM 147920.

Allele frequency attached by ClinVar (database versions not stated): gnomAD exomes below 0.00001.
gnomAD v4.1: 2 of 1,613,520 alleles (0.00012%); highest among the groups gnomAD compares: African/African-American, 0.0013%; no homozygotes.

Submissions (3):

Centre for Medical Genetics,  Mumbai
Classification: Likely benign for Kabuki syndrome 1. Last evaluated: 2026-03-14. Review status: criteria provided, single submitter. Criteria: ACMG Guidelines, 2015. Collection method: provider interpretation. Allele origin: germline. Inheritance: Autosomal dominant inheritance. Affected: no. Observed: 1 variant allele, 1 heterozygote.
Comment: The variant satisfies PM2 criteria; Extremely low frequency in gnomAD population databases. The variant satisfies PP2 criteria; Missense variant in a gene with low rate of benign missense mutations and for which missense mutation is a common mechanism of a disease. However, the variant satisfies BS2 criteria.

Labcorp Genetics (formerly Invitae), Labcorp
Classification: Uncertain significance for Kabuki syndrome. Last evaluated: 2024-07-30. Review status: criteria provided, single submitter. Criteria: Invitae Variant Classification Sherloc (09022015). Collection method: clinical testing. Allele origin: germline.
Comment: This sequence change replaces arginine, which is basic and polar, with serine, which is neutral and polar, at codon 3714 of the KMT2D protein (p.Arg3714Ser). This variant is not present in population databases (gnomAD no frequency). This variant has not been reported in the literature in individuals affected with KMT2D-related conditions. ClinVar contains an entry for this variant (Variation ID: 2433246). Advanced modeling of protein sequence and biophysical properties (such as structural, functional, and spatial information, amino acid conservation, physicochemical variation, residue mobility, and thermodynamic stability) performed at Invitae indicates that this missense variant is not expected to disrupt KMT2D protein function with a negative predictive value of 95%. In summary, the available evidence is currently insufficient to determine the role of this variant in disease. Therefore, it has been classified as a Variant of Uncertain Significance.

Revvity Omics, Revvity
Classification: Uncertain significance. Last evaluated: 2021-07-15. Review status: criteria provided, single submitter. Criteria: ACMG Guidelines, 2015. Collection method: clinical testing. Allele origin: germline.

Literature cited by the submitters: PubMed 20711175 (cited by Centre for Medical Genetics,  Mumbai).